The following is an entry in ClinVar:

ClinVar aggregate classification (germline): Likely pathogenic (1 of 4 stars; one submission).

Conditions:
Capillary malformation-arteriovenous malformation syndrome. Also called: Capillary malformation-arteriovenous malformation. Identifiers: Orphanet 137667, MedGen C1842180, MONDO:0012016.

Submission:

Labcorp Genetics (formerly Invitae), Labcorp
Classification: Likely pathogenic for Capillary malformation-arteriovenous malformation syndrome. Last evaluated: 2025-02-26. Review status: criteria provided, single submitter. Criteria: Invitae Variant Classification Sherloc (09022015). Collection method: clinical testing. Allele origin: germline.
Comment: This sequence change affects a donor splice site in intron 12 of the RASA1 gene. It is expected to disrupt RNA splicing. Variants that disrupt the donor or acceptor splice site typically lead to a loss of protein function (PMID: 16199547), and loss-of-function variants in RASA1 are known to be pathogenic (PMID: 24038909). This variant is not present in population databases (gnomAD no frequency). This variant has not been reported in the literature in individuals affected with RASA1-related conditions. ClinVar contains an entry for this variant (Variation ID: 572119). Algorithms developed to predict the effect of sequence changes on RNA splicing suggest that this variant may disrupt the consensus splice site. In summary, the currently available evidence indicates that the variant is pathogenic, but additional data are needed to prove that conclusively. Therefore, this variant has been classified as Likely Pathogenic.

Literature cited by the submitters: PubMed 16199547; PubMed 24038909.

NM_002890.3(RASA1):c.1698+2T>C

Genes: CCNH (cyclin H; minus strand), RASA1 (RAS p21 protein activator 1; plus strand). Cytogenetic location: 5q14.3.
Variant type: single nucleotide variant.
Coding change: c.1698+2T>C on transcript NM_002890.3 (MANE Select); the canonical splice donor site of the intron after coding-DNA position 1698, T replaced by C.
Molecular consequence: splice donor variant. On other transcripts: intron variant (1).
Genome position (GRCh38, 1-based): chr5:87,369,902, T>C. VCF-style: chr5-87369902-T-C. GRCh37 (hg19) VCF-style: chr5-86665719-T-C.
Other names: c.1167+2T>C (NM_022650.3); c.933+25142A>G (NM_001364075.2).
Identifiers: ClinVar variation 572119 (VCV000572119.10), dbSNP rs1561316757, ClinGen allele CA360372224.